The following is an entry in ClinVar:

ClinVar aggregate classification (germline): Uncertain significance (1 of 4 stars; one submission).

Conditions:
Aortic aneurysm, familial thoracic 7 (AAT7). Also called: AORTIC DISSECTION, FAMILIAL, WITH OR WITHOUT AORTIC ANEURYSM. Identifiers: MedGen C3151077, MONDO:0013418, OMIM 613780.

Submission:

Labcorp Genetics (formerly Invitae), Labcorp
Classification: Uncertain significance for Aortic aneurysm, familial thoracic 7. Last evaluated: 2025-11-12. Review status: criteria provided, single submitter. Criteria: Invitae Variant Classification Sherloc (09022015). Collection method: clinical testing. Allele origin: germline.
Comment: This sequence change replaces asparagine, which is neutral and polar, with threonine, which is neutral and polar, at codon 1672 of the MYLK protein (p.Asn1672Thr). This variant is not present in population databases (gnomAD no frequency). This missense change has been observed in individual(s) with aortic dilation (internal data). Invitae Evidence Modeling of protein sequence and biophysical properties (such as structural, functional, and spatial information, amino acid conservation, physicochemical variation, residue mobility, and thermodynamic stability) indicates that this missense variant is not expected to disrupt MYLK protein function with a negative predictive value of 95%. In summary, the available evidence is currently insufficient to determine the role of this variant in disease. Therefore, it has been classified as a Variant of Uncertain Significance.

NM_053025.4(MYLK):c.5015A>C (p.Asn1672Thr)

Genes: MYLK-AS1 (MYLK antisense RNA 1; plus strand), MYLK (myosin light chain kinase; minus strand), LOC126806791 (MED14-independent group 3 enhancer GRCh37_chr3:123347871-123349070; plus strand). Cytogenetic location: 3q21.1.
Variant type: single nucleotide variant.
Coding change: c.5015A>C on transcript NM_053025.4 (MANE Select); coding-DNA position 5015, A replaced by C.
Protein change: p.Asn1672Thr; replaces asparagine 1672 with threonine.
Molecular consequence: missense variant. On other transcripts: non-coding transcript variant (2), intron variant (2).
Genome position (GRCh38, 1-based): chr3:123,629,573, T>G on the plus strand (A>C on the coding strand, the complement: MYLK is on the minus strand). VCF-style: chr3-123629573-T-G. GRCh37 (hg19) VCF-style: chr3-123348420-T-G.
Other names: c.4487A>C, p.Asn1496Thr (NM_001321309.2); c.4808A>C, p.Asn1603Thr (NM_053026.4); c.4755-2632A>C (NM_053028.4); c.4962-2632A>C (NM_053027.4); short protein forms N1496T, N1672T, N1603T.
Identifiers: ClinVar variation 4775822 (VCV004775822.1).